The following is an entry in ClinVar:

NM_001367549.1(ATP13A3):c.3634A>C (p.Thr1212Pro)

Gene: ATP13A3 (ATPase 13A3; minus strand). Cytogenetic location: 3q29.
Variant type: single nucleotide variant.
Coding change: c.3634A>C on transcript NM_001367549.1 (MANE Select); coding-DNA position 3634, A replaced by C.
Protein change: p.Thr1212Pro; replaces threonine 1212 with proline.
Molecular consequence: missense variant. On other transcripts: non-coding transcript variant (1).
Genome position (GRCh38, 1-based): chr3:194,406,056, T>G on the plus strand (A>C on the coding strand, the complement: ATP13A3 is on the minus strand). VCF-style: chr3-194406056-T-G. GRCh37 (hg19) VCF-style: chr3-194126785-T-G.
Other names: c.3553A>C, p.Thr1185Pro (NM_001374836.1); c.3544A>C, p.Thr1182Pro (NM_024524.4); short protein forms T1182P, T1185P, T1212P.
Identifiers: ClinVar variation 2791619 (VCV002791619.3), dbSNP rs2474053028, ClinGen allele CA355813221.

ClinVar aggregate classification (germline): Uncertain significance (1 of 4 stars; one submission).

Submission:

Labcorp Genetics (formerly Invitae), Labcorp
Classification: Uncertain significance. Last evaluated: 2025-03-31. Review status: criteria provided, single submitter. Criteria: Invitae Variant Classification Sherloc (09022015). Collection method: clinical testing. Allele origin: germline.
Comment: This sequence change replaces threonine, which is neutral and polar, with proline, which is neutral and non-polar, at codon 1182 of the ATP13A3 protein (p.Thr1182Pro). This variant is not present in population databases (gnomAD no frequency). This variant has not been reported in the literature in individuals affected with ATP13A3-related conditions. ClinVar contains an entry for this variant (Variation ID: 2791619). An algorithm developed to predict the effect of missense changes on protein structure and function (PolyPhen-2) suggests that this variant is likely to be tolerated. In summary, the available evidence is currently insufficient to determine the role of this variant in disease. Therefore, it has been classified as a Variant of Uncertain Significance.